The following is an entry in ClinVar:

NM_000342.4(SLC4A1):c.691G>T (p.Val231Leu)

Gene: SLC4A1 (solute carrier family 4 member 1 (Diego blood group); minus strand). Cytogenetic location: 17q21.31.
Variant type: single nucleotide variant.
Coding change: c.691G>T on transcript NM_000342.4 (MANE Select); coding-DNA position 691, G replaced by T.
Protein change: p.Val231Leu; replaces valine 231 with leucine.
Molecular consequence: missense variant.
Genome position (GRCh38, 1-based): chr17:44,259,500, C>A on the plus strand (G>T on the coding strand, the complement: SLC4A1 is on the minus strand). VCF-style: chr17-44259500-C-A. GRCh37 (hg19) VCF-style: chr17-42336868-C-A.
Other names: p.Val231Leu; short protein forms V231L.
Identifiers: ClinVar variation 3691609 (VCV003691609.3).
Genomic context (GRCh38, chr17:44,259,500, plus strand): 5'-GGCTGAGCCAAGACACGAGGGGTGTGGAGGGCTGAGGGTAGAGATGCCTGTTCTTACCCA[C>A]TAGCACCAACGTGGCCTCTGAATCCGGGGGAATCTTTTCCAGAATTCCAGATGGTGAGTG-3'
Protein context (NP_000333.1, residues 221-241): PPDSEATLVL[Val231Leu]GRADFLEQPV

ClinVar aggregate classification (germline): Uncertain significance. Review status: criteria provided, multiple submitters, no conflicts (2 of 4 stars). 2 submissions from 2 submitters: Uncertain significance (2). Last evaluated 2025-03-26.

Submissions (2):

Mayo Clinic Laboratories, Mayo Clinic
Classification: Uncertain significance. Last evaluated: 2025-03-26. Review status: criteria provided, single submitter. Criteria: ACMG Guidelines, 2015. Collection method: clinical testing. Allele origin: germline. Observed: 1 variant allele.
Comment: PP3_moderate, PM2_supporting

Labcorp Genetics (formerly Invitae), Labcorp
Classification: Uncertain significance. Last evaluated: 2024-10-12. Review status: criteria provided, single submitter. Criteria: Invitae Variant Classification Sherloc (09022015). Collection method: clinical testing. Allele origin: germline.
Comment: This sequence change replaces valine, which is neutral and non-polar, with leucine, which is neutral and non-polar, at codon 231 of the SLC4A1 protein (p.Val231Leu). This variant is not present in population databases (gnomAD no frequency). This variant has not been reported in the literature in individuals affected with SLC4A1-related conditions. Invitae Evidence Modeling of protein sequence and biophysical properties (such as structural, functional, and spatial information, amino acid conservation, physicochemical variation, residue mobility, and thermodynamic stability) indicates that this missense variant is not expected to disrupt SLC4A1 protein function with a negative predictive value of 80%. In summary, the available evidence is currently insufficient to determine the role of this variant in disease. Therefore, it has been classified as a Variant of Uncertain Significance.